The following is an entry in ClinVar:

ClinVar aggregate classification (germline): Uncertain significance. Review status: criteria provided, multiple submitters, no conflicts (2 of 4 stars). 3 submissions from 3 submitters: Uncertain significance (3). Last evaluated 2025-02-26.

Conditions:
PROM1-related disorder. Also called: PROM1-related condition; PROM1-related disorders.
Inborn genetic diseases. Identifiers: MedGen C0950123, MeSH D030342.

Allele frequency attached by ClinVar (database versions not stated): gnomAD exomes 0.00001; ExAC 0.00003; gnomAD 0.00006; TOPMed 0.00015; ESP Exome Variant Server 0.00024.
gnomAD v4.1: 12 of 1,613,640 alleles (0.00074%); highest among the groups gnomAD compares: African/African-American, 0.016%; no homozygotes.

Submissions (3):

PreventionGenetics, part of Exact Sciences
Classification: Uncertain significance for PROM1-related condition. Last evaluated: 2025-02-26. Review status: criteria provided, single submitter. Criteria: ACMG Guidelines, 2015. Collection method: clinical testing. Allele origin: germline.
Comment: The PROM1 c.76A>G variant is predicted to result in the amino acid substitution p.Thr26Ala. To our knowledge, this variant has not been reported in the literature. This variant is reported in 0.025% of alleles in individuals of African descent in gnomAD. At this time, the clinical significance of this variant is uncertain due to the absence of conclusive functional and genetic evidence.

Ambry Genetics
Classification: Uncertain significance for Inborn genetic diseases. Last evaluated: 2024-01-04. Review status: criteria provided, single submitter. Criteria: Ambry Variant Classification Scheme 2023. Collection method: clinical testing. Allele origin: germline.

Labcorp Genetics (formerly Invitae), Labcorp
Classification: Uncertain significance. Last evaluated: 2022-03-04. Review status: criteria provided, single submitter. Criteria: Invitae Variant Classification Sherloc (09022015). Collection method: clinical testing. Allele origin: germline.
Comment: This variant is present in population databases (rs369945480, gnomAD 0.03%). This sequence change replaces threonine, which is neutral and polar, with alanine, which is neutral and non-polar, at codon 26 of the PROM1 protein (p.Thr26Ala). This variant has not been reported in the literature in individuals affected with PROM1-related conditions. In summary, the available evidence is currently insufficient to determine the role of this variant in disease. Therefore, it has been classified as a Variant of Uncertain Significance. Algorithms developed to predict the effect of missense changes on protein structure and function output the following: SIFT: "Tolerated"; PolyPhen-2: "Benign"; Align-GVGD: "Class C0". The alanine amino acid residue is found in multiple mammalian species, which suggests that this missense change does not adversely affect protein function.

NM_006017.3(PROM1):c.76A>G (p.Thr26Ala)

Gene: PROM1 (prominin 1; minus strand). Cytogenetic location: 4p15.32.
Variant type: single nucleotide variant.
Coding change: c.76A>G on transcript NM_006017.3 (MANE Select); coding-DNA position 76, A replaced by G.
Protein change: p.Thr26Ala; replaces threonine 26 with alanine.
Molecular consequence: missense variant.
Genome position (GRCh38, 1-based): chr4:16,075,831, T>C on the plus strand (A>G on the coding strand, the complement: PROM1 is on the minus strand). VCF-style: chr4-16075831-T-C. GRCh37 (hg19) VCF-style: chr4-16077454-T-C.
Other names: c.76A>G, p.Thr26Ala (NM_001145851.2, NM_001145852.2, NM_001371406.1 and 6 more transcripts); c.76A>G (NM_006017.2); short protein forms T26A.
Identifiers: ClinVar variation 1921286 (VCV001921286.7), dbSNP rs369945480, ClinGen allele CA2867194.